The following is an entry in ClinVar:

NM_000215.4(JAK3):c.944A>G (p.His315Arg)

Gene: JAK3 (Janus kinase 3; minus strand). Cytogenetic location: 19p13.11.
Variant type: single nucleotide variant.
Coding change: c.944A>G on transcript NM_000215.4 (MANE Select); coding-DNA position 944, A replaced by G.
Protein change: p.His315Arg; replaces histidine 315 with arginine.
Molecular consequence: missense variant.
Genome position (GRCh38, 1-based): chr19:17,841,680, T>C on the plus strand (A>G on the coding strand, the complement: JAK3 is on the minus strand). VCF-style: chr19-17841680-T-C. GRCh37 (hg19) VCF-style: chr19-17952489-T-C.
Other names: short protein forms H315R.
Identifiers: ClinVar variation 1013811 (VCV001013811.8), dbSNP rs2094239321, ClinGen allele CA404771877.

ClinVar aggregate classification (germline): Uncertain significance (1 of 4 stars; one submission).

Conditions:
T-B+ severe combined immunodeficiency due to JAK3 deficiency. Also called: SCID, T CELL-NEGATIVE, B CELL-POSITIVE, NK CELL-NEGATIVE; SCID, autosomal recessive, T-negative/B-positive type. Identifiers: Orphanet 35078, MedGen C1833275, MONDO:0010938, OMIM 600802.

Submission:

Labcorp Genetics (formerly Invitae), Labcorp
Classification: Uncertain significance for T-B+ severe combined immunodeficiency due to JAK3 deficiency. Last evaluated: 2022-08-23. Review status: criteria provided, single submitter. Criteria: Invitae Variant Classification Sherloc (09022015). Collection method: clinical testing. Allele origin: germline.
Comment: This sequence change replaces histidine, which is basic and polar, with arginine, which is basic and polar, at codon 315 of the JAK3 protein (p.His315Arg). This variant is not present in population databases (gnomAD no frequency). This variant has not been reported in the literature in individuals affected with JAK3-related conditions. ClinVar contains an entry for this variant (Variation ID: 1013811). Advanced modeling of protein sequence and biophysical properties (such as structural, functional, and spatial information, amino acid conservation, physicochemical variation, residue mobility, and thermodynamic stability) performed at Invitae indicates that this missense variant is not expected to disrupt JAK3 protein function. In summary, the available evidence is currently insufficient to determine the role of this variant in disease. Therefore, it has been classified as a Variant of Uncertain Significance.